The following is an entry in ClinVar:

ClinVar aggregate classification (germline): Benign/Likely benign. Review status: criteria provided, multiple submitters, no conflicts (2 of 4 stars). 6 submissions from 6 submitters: Benign (2); Likely benign (3). 1 of the submissions does not count toward it. Last evaluated 2026-04-24.

Conditions:
Cardiovascular phenotype. Identifiers: MedGen CN230736.
ANK2-related disorder. Also called: ANK2-related condition.
Long QT syndrome (LQTS). Identifiers: MedGen C0023976, MeSH D008133, MONDO:0002442. Disease mechanism: loss of function. Inheritance: Various modes of inheritance.

Allele frequency attached by ClinVar (database versions not stated): gnomAD exomes 0.00006 and 0.00010; ExAC 0.00011; ESP Exome Variant Server 0.00023; gnomAD 0.00025 and 0.00026; TOPMed 0.00031.
gnomAD v4.1: 122 of 1,614,058 alleles (0.0076%); highest among the groups gnomAD compares: African/African-American, 0.085%; no homozygotes.

Submissions (6):

Women's Health and Genetics/Laboratory Corporation of America, LabCorp
Classification: Benign. Last evaluated: 2026-04-24. Review status: criteria provided, single submitter. Criteria: LabCorp Variant Classification Summary - May 2015. Collection method: clinical testing. Allele origin: germline.

Labcorp Genetics (formerly Invitae), Labcorp
Classification: Likely benign for Long QT syndrome. Last evaluated: 2025-09-19. Review status: criteria provided, single submitter. Criteria: Invitae Variant Classification Sherloc (09022015). Collection method: clinical testing. Allele origin: germline.

Blueprint Genetics
Classification: Likely benign. Last evaluated: 2023-06-28. Review status: criteria provided, single submitter. Criteria: ACMG Guidelines, 2015. Collection method: clinical testing. Allele origin: germline.

Ambry Genetics
Classification: Benign for Cardiovascular phenotype. Last evaluated: 2020-10-06. Review status: criteria provided, single submitter. Criteria: Ambry Variant Classification Scheme 2023. Collection method: clinical testing. Allele origin: germline.

GeneDx
Classification: Likely benign. Last evaluated: 2017-12-11. Review status: criteria provided, single submitter. Criteria: GeneDx Variant Classification (06012015). Collection method: clinical testing. Allele origin: germline. Affected: yes.
Comment: This variant is considered likely benign or benign based on one or more of the following criteria: it is a conservative change, it occurs at a poorly conserved position in the protein, it is predicted to be benign by multiple in silico algorithms, and/or has population frequency not consistent with disease.

PreventionGenetics, part of Exact Sciences
Classification: Likely benign for ANK2-related condition. Last evaluated: 2019-05-01. Review status: no assertion criteria provided. Collection method: clinical testing. Allele origin: germline. Not counted in ClinVar's aggregate classification.
Comment: This variant is classified as likely benign based on ACMG/AMP sequence variant interpretation guidelines (Richards et al. 2015 PMID: 25741868, with internal and published modifications).

NM_001148.6(ANK2):c.7707A>G (p.Ala2569=)

Genes: ANK2 (ankyrin 2; plus strand), LOC126807137 (CDK7 strongly-dependent group 2 enhancer GRCh37_chr4:114276560-114277759; plus strand). Cytogenetic location: 4q26.
Variant type: single nucleotide variant.
Coding change: c.7707A>G on transcript NM_001148.6 (MANE Select); coding-DNA position 7707, A replaced by G.
Protein change: p.Ala2569=; no amino-acid change (alanine 2569 retained).
Molecular consequence: synonymous variant. On other transcripts: intron variant (68).
Genome position (GRCh38, 1-based): chr4:113,356,325, A>G. VCF-style: chr4-113356325-A-G. GRCh37 (hg19) VCF-style: chr4-114277481-A-G.
Other names: c.7473A>G, p.Ala2491= (NM_001386142.1); c.4107A>G, p.Ala1369= (NM_001386166.1); c.7848A>G, p.Ala2616= (NM_001386174.1); c.7824A>G, p.Ala2608= (NM_001386175.1); c.4412-4498A>G (NM_001386186.2, NM_001386148.2); c.4214-4498A>G (NM_001354269.3); c.4292-4498A>G (NM_001386187.2); c.4253-4498A>G (NM_001386147.1); and 35 more.
Identifiers: ClinVar variation 390451 (VCV000390451.17), dbSNP rs144407821, ClinGen allele CA3051641.